The following is an entry in ClinVar:

NM_001734.5(C1S):c.1166_1167inv (p.Pro389Leu)

Gene: C1S (complement C1s; plus strand). Cytogenetic location: 12p13.31.
Variant type: Inversion.
Coding change: c.1166_1167inv on transcript NM_001734.5 (MANE Select).
Protein change: p.Pro389Leu; replaces proline 389 with leucine.
Molecular consequence: missense variant.
Genome position: GRCh38 VCF-style: chr12-7067742-CA-TG. GRCh37 (hg19) VCF-style: chr12-7175046-CA-TG.
Other names: c.665_666inv, p.Pro222Leu (NM_001346850.2); c.1166_1167inv, p.Pro389Leu (NM_201442.4); short protein forms P222L, P389L.
Identifiers: ClinVar variation 4798771 (VCV004798771.1).

ClinVar aggregate classification (germline): Uncertain significance (1 of 4 stars; one submission).

Submission:

Labcorp Genetics (formerly Invitae), Labcorp
Classification: Uncertain significance. Last evaluated: 2025-04-07. Review status: criteria provided, single submitter. Criteria: Invitae Variant Classification Sherloc (09022015). Collection method: clinical testing. Allele origin: germline.
Comment: This sequence change replaces proline, which is neutral and non-polar, with leucine, which is neutral and non-polar, at codon 389 of the C1S protein (p.Pro389Leu). Information on the frequency of this variant in the gnomAD database is not available, as this variant may be reported differently in the database. This variant has not been reported in the literature in individuals affected with C1S-related conditions. An algorithm developed to predict the effect of missense changes on protein structure and function (PolyPhen-2) suggests that this variant is likely to be disruptive. In summary, the available evidence is currently insufficient to determine the role of this variant in disease. Therefore, it has been classified as a Variant of Uncertain Significance.